The following is an entry in ClinVar:

ClinVar aggregate classification (germline): Uncertain significance. Review status: criteria provided, multiple submitters, no conflicts (2 of 4 stars). 2 submissions from 2 submitters: Uncertain significance (2). Last evaluated 2024-11-18.

Conditions:
Inborn genetic diseases. Identifiers: MedGen C0950123, MeSH D030342.
Acute myeloid leukemia (AML). Also called: Acute myeloid leukemia, adult; AML adult; Acute non-lymphocytic leukemia; Acute granulocytic leukemia; Leukemia, acute myeloid, somatic; Leukemia, acute myelogenous, somatic. Identifiers: Orphanet 519, MedGen C0023467, MeSH D015470, MONDO:0018874, OMIM 601626, HP:0004808. Disease mechanism: Constitutively activated FLT3.

Allele frequency attached by ClinVar (database versions not stated): gnomAD 0.00001; TOPMed 0.00001; gnomAD exomes 0.00003.

Submissions (2):

Ambry Genetics
Classification: Uncertain significance for Inborn genetic diseases. Last evaluated: 2024-11-18. Review status: criteria provided, single submitter. Criteria: Ambry Variant Classification Scheme 2023. Collection method: clinical testing. Allele origin: germline.
Comment: The p.P112A variant (also known as c.334C>G), located in coding exon 1 of the CEBPA gene, results from a C to G substitution at nucleotide position 334. The proline at codon 112 is replaced by alanine, an amino acid with highly similar properties. This amino acid position is conserved. In addition, this alteration is predicted to be tolerated by in silico analysis. Based on the available evidence, the clinical significance of this variant remains unclear.

Labcorp Genetics (formerly Invitae), Labcorp
Classification: Uncertain significance for Acute myeloid leukemia. Last evaluated: 2023-12-01. Review status: criteria provided, single submitter. Criteria: Invitae Variant Classification Sherloc (09022015). Collection method: clinical testing. Allele origin: germline.
Comment: This sequence change replaces proline, which is neutral and non-polar, with alanine, which is neutral and non-polar, at codon 112 of the CEBPA protein (p.Pro112Ala). This variant is not present in population databases (gnomAD no frequency). This variant has not been reported in the literature in individuals affected with CEBPA-related conditions. ClinVar contains an entry for this variant (Variation ID: 837535). Advanced modeling of protein sequence and biophysical properties (such as structural, functional, and spatial information, amino acid conservation, physicochemical variation, residue mobility, and thermodynamic stability) performed at Invitae indicates that this missense variant is not expected to disrupt CEBPA protein function with a negative predictive value of 80%. In summary, the available evidence is currently insufficient to determine the role of this variant in disease. Therefore, it has been classified as a Variant of Uncertain Significance.

NM_004364.5(CEBPA):c.334C>G (p.Pro112Ala)

Gene: CEBPA (CCAAT enhancer binding protein alpha; minus strand). Cytogenetic location: 19q13.11.
Variant type: single nucleotide variant.
Coding change: c.334C>G on transcript NM_004364.5 (MANE Select); coding-DNA position 334, C replaced by G.
Protein change: p.Pro112Ala; replaces proline 112 with alanine.
Molecular consequence: missense variant. On other transcripts: 5 prime UTR variant (1).
Genome position (GRCh38, 1-based): chr19:33,302,081, G>C on the plus strand (C>G on the coding strand, the complement: CEBPA is on the minus strand). VCF-style: chr19-33302081-G-C. GRCh37 (hg19) VCF-style: chr19-33792987-G-C.
Other names: c.-24C>G (NM_001285829.2); c.439C>G, p.Pro147Ala (NM_001287424.2); c.292C>G, p.Pro98Ala (NM_001287435.2); c.334C>G (NM_004364.3); short protein forms P147A, P98A, P112A.
Identifiers: ClinVar variation 837535 (VCV000837535.9), dbSNP rs957253046, ClinGen allele CA307844352.